The following is an entry in ClinVar:

ClinVar aggregate classification (germline): Uncertain significance (1 of 4 stars; one submission).

Conditions:
Hypertrophic cardiomyopathy 1 (CMH1). Also called: Familial hypertrophic cardiomyopathy 1; MYH7-Related Familial Hypertrophic Cardiomyopathy. Identifiers: MedGen C3495498, MONDO:0008647, OMIM 192600.

Submission:

Institute of Immunology and Genetics Kaiserslautern
Classification: Uncertain significance for Hypertrophic cardiomyopathy 1. Last evaluated: 2025-01-14. Review status: criteria provided, single submitter. Criteria: ACMG Guidelines, 2015. Collection method: clinical testing. Allele origin: germline. Affected: yes.
Comment: ACMG Criteria: PM2_P, PP3; Variant was found in heterozygous state

NM_000257.4(MYH7):c.2680-7C>G

Gene: MYH7 (myosin heavy chain 7; minus strand). Cytogenetic location: 14q11.2.
Variant type: single nucleotide variant.
Coding change: c.2680-7C>G on transcript NM_000257.4 (MANE Select); 7 bases into the intron before coding-DNA position 2680, C replaced by G.
Molecular consequence: intron variant.
Genome position (GRCh38, 1-based): chr14:23,424,156, G>C on the plus strand (C>G on the coding strand, the complement: MYH7 is on the minus strand). VCF-style: chr14-23424156-G-C. GRCh37 (hg19) VCF-style: chr14-23893365-G-C.
Other names: c.2680-7C>G (NM_001407004.1).
Identifiers: ClinVar variation 3897551 (VCV003897551.1).
Genomic context (GRCh38, chr14:23,424,156, plus strand): 5'-GTTTTTGATCAGCTGATCACAGCGCTCCTCAGCATCTGCCAGGTTGTCTTGTTCCTGAAG[G>C]TGAGGAACAGAGGGGAGGCTGTTCAGGGGGTAAGGTCCTCATTCTTGCAGGTAGAGGGAA-3'